The following is an entry in ClinVar:

NM_014634.4(PPM1F):c.748-3C>T

Gene: PPM1F (protein phosphatase, Mg2+/Mn2+ dependent 1F; minus strand). Cytogenetic location: 22q11.22.
Variant type: single nucleotide variant.
Coding change: c.748-3C>T on transcript NM_014634.4 (MANE Select); 3 bases into the intron before coding-DNA position 748, C replaced by T.
Molecular consequence: intron variant.
Genome position (GRCh38, 1-based): chr22:21,931,294, G>A on the plus strand (C>T on the coding strand, the complement: PPM1F is on the minus strand). VCF-style: chr22-21931294-G-A. GRCh37 (hg19) VCF-style: chr22-22285666-G-A.
Other names: c.244-3C>T (NM_001410836.1).
Identifiers: ClinVar variation 4996028 (VCV004996028.1).
Genomic context (GRCh38, chr22:21,931,294, plus strand): 5'-CGTGCAGGGTCGCTCCTGCAATGAGCGCACACACACCTGTGGTGCCGCTCTGCAGCCGCT[G>A]CAGGGAGAGAGGGCCCATGAGAGTTGAGAGGAGGTAGGGAAGGGCAGAGGATGACACGGG-3'

ClinVar aggregate classification (germline): Uncertain significance (1 of 4 stars; one submission).

Conditions:
PPM1F-related condition.

gnomAD v4.1: 5 of 1,611,462 alleles (0.00031%); highest among the groups gnomAD compares: East Asian, 0.011%; no homozygotes.

Submission:

PreventionGenetics, part of Exact Sciences
Classification: Uncertain significance for PPM1F-related condition. Last evaluated: 2026-02-10. Review status: criteria provided, single submitter. Criteria: ACMG Guidelines, 2015. Collection method: clinical testing. Allele origin: germline.
Comment: The PPM1F c.748-3C>T variant is predicted to interfere with splicing. This variant is predicted to alter splicing based on available splicing prediction software (SpliceAI, Jaganathan et al. 2019. PubMed ID: 30661751). However, the use of computer prediction software is not equivalent to functional evidence. To our knowledge, this variant has not been reported in the literature. This variant is reported in 0.022% of alleles in individuals of East Asian descent in gnomAD. At this time, the clinical significance of this variant is uncertain due to the absence of conclusive functional and genetic evidence.